The following is an entry in ClinVar:

NM_152443.3(RDH12):c.241A>T (p.Ser81Cys)

Genes: GPHN (gephyrin; plus strand), RDH12 (retinol dehydrogenase 12; plus strand). Cytogenetic location: 14q24.1.
Variant type: single nucleotide variant.
Coding change: c.241A>T on transcript NM_152443.3 (MANE Select); coding-DNA position 241, A replaced by T.
Protein change: p.Ser81Cys; replaces serine 81 with cysteine.
Molecular consequence: missense variant.
Genome position (GRCh38, 1-based): chr14:67,725,152, A>T. VCF-style: chr14-67725152-A-T. GRCh37 (hg19) VCF-style: chr14-68191869-A-T.
Other names: c.241A>T (NM_152443.2); short protein forms S81C.
Identifiers: ClinVar variation 1502662 (VCV001502662.8), dbSNP rs760092398, ClinGen allele CA262808737.

ClinVar aggregate classification (germline): Uncertain significance. Review status: criteria provided, multiple submitters, no conflicts (2 of 4 stars). 4 submissions from 4 submitters: Uncertain significance (4). Last evaluated 2025-12-09.

Conditions:
Inborn genetic diseases. Identifiers: MedGen C0950123, MeSH D030342.
RDH12-related disorder. Also called: RDH12-related disorders; RDH12-related condition.
Leber congenital amaurosis 13 (LCA13). Identifiers: MedGen C2675186, MONDO:0012990, OMIM 612712.

Allele frequency attached by ClinVar (database versions not stated): TOPMed 0.00001; gnomAD 0.00002.
gnomAD v4.1: 61 of 1,614,112 alleles (0.0038%); highest among the groups gnomAD compares: Non-Finnish European, 0.005%; no homozygotes.

Submissions (4):

PreventionGenetics, part of Exact Sciences
Classification: Uncertain significance for RDH12-related condition. Last evaluated: 2025-12-09. Review status: criteria provided, single submitter. Criteria: ACMG Guidelines, 2015. Collection method: clinical testing. Allele origin: germline.
Comment: The RDH12 c.241A>T variant is predicted to result in the amino acid substitution p.Ser81Cys. To our knowledge, this variant has not been reported in the literature. This variant is reported in 0.0018% of alleles in individuals of European (Non-Finnish) descent in gnomAD. At this time, the clinical significance of this variant is uncertain due to the absence of conclusive functional and genetic evidence.

Ambry Genetics
Classification: Uncertain significance for Inborn genetic diseases. Last evaluated: 2025-08-30. Review status: criteria provided, single submitter. Criteria: Ambry Variant Classification Scheme 2023. Collection method: clinical testing. Allele origin: germline.

Labcorp Genetics (formerly Invitae), Labcorp
Classification: Uncertain significance for Leber congenital amaurosis 13. Last evaluated: 2024-12-24. Review status: criteria provided, single submitter. Criteria: Invitae Variant Classification Sherloc (09022015). Collection method: clinical testing. Allele origin: germline.
Comment: This sequence change replaces serine, which is neutral and polar, with cysteine, which is neutral and slightly polar, at codon 81 of the RDH12 protein (p.Ser81Cys). This variant is present in population databases (rs760092398, gnomAD 0.0009%). This variant has not been reported in the literature in individuals affected with RDH12-related conditions. ClinVar contains an entry for this variant (Variation ID: 1502662). Invitae Evidence Modeling of protein sequence and biophysical properties (such as structural, functional, and spatial information, amino acid conservation, physicochemical variation, residue mobility, and thermodynamic stability) indicates that this missense variant is not expected to disrupt RDH12 protein function with a negative predictive value of 80%. In summary, the available evidence is currently insufficient to determine the role of this variant in disease. Therefore, it has been classified as a Variant of Uncertain Significance.

Blueprint Genetics
Classification: Uncertain significance. Last evaluated: 2020-09-19. Review status: criteria provided, single submitter. Criteria: ACMG Guidelines, 2015. Collection method: clinical testing. Allele origin: germline.